The following is an entry in ClinVar:

NM_004415.4(DSP):c.2131-5G>C

Gene: DSP (desmoplakin; plus strand). Cytogenetic location: 6p24.3.
Variant type: single nucleotide variant.
Coding change: c.2131-5G>C on transcript NM_004415.4 (MANE Select); 5 bases into the intron before coding-DNA position 2131, G replaced by C.
Molecular consequence: intron variant.
Genome position (GRCh38, 1-based): chr6:7,574,081, G>C. VCF-style: chr6-7574081-G-C. GRCh37 (hg19) VCF-style: chr6-7574314-G-C.
Other names: c.2131-5G>C (NM_001319034.2, NM_001008844.3).
Identifiers: ClinVar variation 909839 (VCV000909839.16), dbSNP rs767939332, ClinGen allele CA031980.

ClinVar aggregate classification (germline): Conflicting classifications of pathogenicity. Review status: criteria provided, conflicting classifications (1 of 4 stars). 7 submissions from 5 submitters: Uncertain significance (4); Likely benign (3). Last evaluated 2026-01-19.

Conditions:
Cardiovascular phenotype. Identifiers: MedGen CN230736.
Lethal acantholytic epidermolysis bullosa (EBLA). Identifiers: Orphanet 158687, MedGen C1864826, MONDO:0012323, OMIM 609638.
Woolly hair-skin fragility syndrome (WHSF). Identifiers: Orphanet 293165, MedGen C1843292, MONDO:0957307, OMIM 620415.
Cardiomyopathy (CMYO). Also called: Cardiomyopathies. Identifiers: Orphanet 167848, MedGen C0878544, MONDO:0004994, HP:0001638. Inheritance: Various modes of inheritance.
Arrhythmogenic right ventricular dysplasia 8 (ARVD8). Also called: Arrhythmogenic Right Ventricular Dysplasia/Cardiomyopathy 8; ARRHYTHMOGENIC RIGHT VENTRICULAR DYSPLASIA, FAMILIAL, 8; ARRHYTHMOGENIC RIGHT VENTRICULAR CARDIOMYOPATHY 8. Identifiers: MedGen C1843896, MONDO:0011831, OMIM 607450.
Arrhythmogenic cardiomyopathy with wooly hair and keratoderma. Also called: Arrhythmogenic cardiomyopathy with woolly hair and keratoderma; PALMOPLANTAR KERATODERMA WITH LEFT VENTRICULAR CARDIOMYOPATHY AND WOOLLY HAIR; Carvajal syndrome; Dilated cardiomyopathy with woolly hair and keratoderma. Identifiers: Orphanet 65282, MedGen C1854063, MONDO:0011581, OMIM 605676.

Allele frequency attached by ClinVar (database versions not stated): gnomAD 0.00001; gnomAD exomes 0.00003; ExAC 0.00007.
gnomAD v4.1: 48 of 1,613,840 alleles (0.003%); highest among the groups gnomAD compares: Non-Finnish European, 0.0039%; no homozygotes.

Submissions (7):

Labcorp Genetics (formerly Invitae), Labcorp
Classification: Likely benign for Arrhythmogenic cardiomyopathy with wooly hair and keratoderma; Arrhythmogenic right ventricular dysplasia 8. Last evaluated: 2026-01-19. Review status: criteria provided, single submitter. Criteria: Invitae Variant Classification Sherloc (09022015). Collection method: clinical testing. Allele origin: germline.

All of Us Research Program, National Institutes of Health
Classification: Likely benign for Arrhythmogenic cardiomyopathy with wooly hair and keratoderma. Last evaluated: 2023-12-13. Review status: criteria provided, single submitter. Criteria: ACMG Guidelines, 2015. Collection method: clinical testing. Allele origin: germline. Inheritance: Autosomal dominant inheritance. Observed: 6 variant alleles, 6 heterozygotes.
Comment: This study involves interpretation of variants in research participants for the purpose of population health screening. Participant phenotype was not available at the time of variant classification. Additional details can be found in publication PMID: 35346344, PMCID: PMC8962531

Ambry Genetics
Classification: Uncertain significance for Cardiovascular phenotype. Last evaluated: 2023-11-13. Review status: criteria provided, single submitter. Criteria: Ambry Variant Classification Scheme 2023. Collection method: clinical testing. Allele origin: germline.
Comment: The c.2131-5G>C intronic variant results from a G to C substitution 5 nucleotides upstream from coding exon 16 in the DSP gene. This nucleotide position is not well conserved in available vertebrate species. In silico splice site analysis predicts that this alteration will not have any significant effect on splicing. Since supporting evidence is limited at this time, the clinical significance of this alteration remains unclear.

Color Diagnostics, LLC DBA Color Health
Classification: Likely benign for Cardiomyopathy. Last evaluated: 2018-12-01. Review status: criteria provided, single submitter. Criteria: ACMG Guidelines, 2015. Collection method: clinical testing. Allele origin: germline.

Illumina Laboratory Services, Illumina
Classification: Uncertain significance for Lethal acantholytic epidermolysis bullosa. Last evaluated: 2018-01-12. Review status: criteria provided, single submitter. Criteria: ICSL Variant Classification Criteria 13 December 2019. Collection method: clinical testing. Allele origin: germline.

Illumina Laboratory Services, Illumina
Classification: Uncertain significance for Arrhythmogenic cardiomyopathy with wooly hair and keratoderma. Last evaluated: 2018-01-12. Review status: criteria provided, single submitter. Criteria: ICSL Variant Classification Criteria 13 December 2019. Collection method: clinical testing. Allele origin: germline.

Illumina Laboratory Services, Illumina
Classification: Uncertain significance for Arrhythmogenic right ventricular dysplasia 8. Last evaluated: 2018-01-12. Review status: criteria provided, single submitter. Criteria: ICSL Variant Classification Criteria 13 December 2019. Collection method: clinical testing. Allele origin: germline.